The following is an entry in ClinVar:

NM_001394966.1(NEK10):c.1084G>C (p.Ala362Pro)

Gene: NEK10 (NIMA related kinase 10; minus strand). Cytogenetic location: 3p24.1.
Variant type: single nucleotide variant.
Coding change: c.1084G>C on transcript NM_001394966.1 (MANE Select); coding-DNA position 1084, G replaced by C.
Protein change: p.Ala362Pro; replaces alanine 362 with proline.
Molecular consequence: missense variant.
Genome position (GRCh38, 1-based): chr3:27,301,780, C>G on the plus strand (G>C on the coding strand, the complement: NEK10 is on the minus strand). VCF-style: chr3-27301780-C-G. GRCh37 (hg19) VCF-style: chr3-27343271-C-G.
Other names: c.1084G>C, p.Ala362Pro (NM_001394963.1, NM_001394965.1, NM_001394968.1 and 4 more transcripts); c.997G>C, p.Ala333Pro (NM_001394964.1, NM_001394967.1, NM_001394969.1); short protein forms A333P, A362P.
Identifiers: ClinVar variation 4882092 (VCV004882092.2).

ClinVar aggregate classification (germline): Uncertain significance (1 of 4 stars; one submission).

Submission:

Dasa
Classification: Uncertain significance. Last evaluated: 2026-02-04. Review status: criteria provided, single submitter. Criteria: DASA Assertion Criteria. Collection method: clinical testing. Allele origin: germline.
Comment: NM_001394966.1(NEK10):c.1084G>C (p.Ala362Pro) is a missense variant that results in the substitution of alanine with proline. This variant is rare in population databases. The currently available literature and clinical evidence are not sufficient to establish a definitive association between this variant and the reported condition. Therefore, this variant is classified as a variant of uncertain significance.